The following is an entry in ClinVar:

ClinVar aggregate classification (germline): Benign. Review status: criteria provided, multiple submitters, no conflicts (2 of 4 stars). 3 submissions from 3 submitters: Benign (3). Last evaluated 2018-06-23.

Conditions:
Lysinuric protein intolerance (LPI). Identifiers: Orphanet 470, MedGen C0268647, MONDO:0009109, OMIM 222700.

Allele frequency attached by ClinVar (database versions not stated): TOPMed 0.15627; gnomAD 0.15729 and 0.15960; 1000 Genomes Project 0.11701; 1000 Genomes Project 30x 0.11462; gnomAD exomes 0.16116.
gnomAD v4.1: 24,393 of 152,450 alleles (16%); highest among the groups gnomAD compares: South Asian, 25%; 2,374 homozygotes.

Submissions (3):

GeneDx
Classification: Benign. Last evaluated: 2018-06-23. Review status: criteria provided, single submitter. Criteria: GeneDx Variant Classification Process June 2021. Collection method: clinical testing. Allele origin: germline. Affected: yes.

Illumina Laboratory Services, Illumina
Classification: Benign for Lysinuric protein intolerance. Last evaluated: 2018-01-12. Review status: criteria provided, single submitter. Criteria: ICSL Variant Classification Criteria 13 December 2019. Collection method: clinical testing. Allele origin: germline.
Comment: This variant was observed in the ICSL laboratory as part of a predisposition screen in an ostensibly healthy population. It had not been previously curated by ICSL or reported in the Human Gene Mutation Database (HGMD: prior to June 1st, 2018), and was therefore a candidate for classification through an automated scoring system. Utilizing variant allele frequency, disease prevalence and penetrance estimates, and inheritance mode, an automated score was calculated to assess if this variant is too frequent to cause the disease. Based on the score and internal cut-off values, a variant classified as benign is not then subjected to further curation. The score for this variant resulted in a classification of benign for this disease.

Breakthrough Genomics
Classification: Benign. Review status: criteria provided, single submitter. Criteria: ACMG Guidelines, 2015. Collection method: not provided. Allele origin: germline. Inheritance: Autosomal recessive inheritance. Affected: yes.

NM_001126106.4(SLC7A7):c.-281T>C

Gene: SLC7A7 (solute carrier family 7 member 7; minus strand). Cytogenetic location: 14q11.2.
Variant type: single nucleotide variant.
Coding change: c.-281T>C on transcript NM_001126106.4; 281 bases upstream of the start codon, T replaced by C.
Molecular consequence: 5 prime UTR variant.
Genome position (GRCh38, 1-based): chr14:22,819,744, A>G on the plus strand (T>C on the coding strand, the complement: SLC7A7 is on the minus strand). VCF-style: chr14-22819744-A-G. GRCh37 (hg19) VCF-style: chr14-23288953-A-G.
Identifiers: ClinVar variation 312838 (VCV000312838.9), dbSNP rs17122776, ClinGen allele CA10643951.